The following is an entry in ClinVar:

ClinVar aggregate classification (germline): Pathogenic (1 of 4 stars; one submission).

Submission:

Labcorp Genetics (formerly Invitae), Labcorp
Classification: Pathogenic. Last evaluated: 2022-03-28. Review status: criteria provided, single submitter. Criteria: Invitae Variant Classification Sherloc (09022015). Collection method: clinical testing. Allele origin: germline.
Comment: For these reasons, this variant has been classified as Pathogenic. This variant has not been reported in the literature in individuals affected with HEPACAM-related conditions. This variant is not present in population databases (gnomAD no frequency). This sequence change creates a premature translational stop signal (p.Val34Glyfs*61) in the HEPACAM gene. It is expected to result in an absent or disrupted protein product. Loss-of-function variants in HEPACAM are known to be pathogenic (PMID: 21419380, 24202401).

Literature cited by the submitters: PubMed 21419380; PubMed 24202401.

NM_152722.5(HEPACAM):c.100dup (p.Val34fs)

Gene: HEPACAM (hepatic and glial cell adhesion molecule; minus strand). Cytogenetic location: 11q24.2.
Variant type: Duplication.
Coding change: c.100dup on transcript NM_152722.5 (MANE Select); coding-DNA position 100, one base duplicated (G; older notation c.100dupG).
Protein change: p.Val34fs; shifts the reading frame from valine 34.
Molecular consequence: frameshift variant.
Genome position (GRCh38, 1-based): chr11:124,925,055, C duplicated on the plus strand (G on the coding strand, the reverse complement: HEPACAM is on the minus strand); the first of 5 consecutive C bases (chr11:124,925,055-124,925,059); duplicating any one gives the same sequence. VCF-style (leftmost placement, unchanged base first): chr11-124925054-A-AC. GRCh37 (hg19) VCF-style: chr11-124794950-A-AC.
Other names: c.96dup, p.Val34Glyfs (NM_001411043.1); short protein forms V34fs.
Identifiers: ClinVar variation 2094131 (VCV002094131.4), dbSNP rs2497470215, ClinGen allele CA2580083790.